The following is an entry in ClinVar:

NM_207352.4(CYP4V2):c.1062dup (p.Val355fs)

Gene: CYP4V2 (cytochrome P450 family 4 subfamily V member 2; plus strand). Cytogenetic location: 4q35.2.
Variant type: Duplication.
Coding change: c.1062dup on transcript NM_207352.4 (MANE Select); coding-DNA position 1062, one base duplicated (A; older notation c.1062dupA).
Protein change: p.Val355fs; shifts the reading frame from valine 355.
Molecular consequence: frameshift variant.
Genome position (GRCh38, 1-based): chr4:186,205,274, A duplicated; the last of 6 consecutive A bases (chr4:186,205,269-186,205,274); duplicating any one gives the same sequence. VCF-style (leftmost placement, unchanged base first): chr4-186205268-G-GA. GRCh37 (hg19) VCF-style: chr4-187126422-G-GA.
Other names: c.1062dupA (NM_207352.4); short protein forms V355fs.
Identifiers: ClinVar variation 1458356 (VCV001458356.12), dbSNP rs1280925919, ClinGen allele CA792325451.

ClinVar aggregate classification (germline): Pathogenic. Review status: criteria provided, multiple submitters, no conflicts (2 of 4 stars). 4 submissions from 4 submitters: Pathogenic (4). Last evaluated 2024-02-08.

Conditions:
Retinal dystrophy. Also called: Inherited retinal dystrophy. Identifiers: Orphanet 71862, MedGen C0854723, MeSH D058499, MONDO:0019118, HP:0000556.
Bietti crystalline corneoretinal dystrophy (BCD). Also called: BIETTI TAPETORETINAL DEGENERATION WITH MARGINAL CORNEAL DYSTROPHY; Bietti Crystalline Dystrophy. Identifiers: Orphanet 41751, MedGen C1859486, MONDO:0008865, OMIM 210370.
CYP4V2-related disorder. Also called: CYP4V2-related disorders; CYP4V2-related condition.

Submissions (4):

Labcorp Genetics (formerly Invitae), Labcorp
Classification: Pathogenic. Last evaluated: 2024-02-08. Review status: criteria provided, single submitter. Criteria: Invitae Variant Classification Sherloc (09022015). Collection method: clinical testing. Allele origin: germline.
Comment: This sequence change creates a premature translational stop signal (p.Val355Serfs*4) in the CYP4V2 gene. It is expected to result in an absent or disrupted protein product. Loss-of-function variants in CYP4V2 are known to be pathogenic (PMID: 15042513, 25118264). This variant is not present in population databases (gnomAD no frequency). This premature translational stop signal has been observed in individual(s) with Bietti crystalline dystrophy (PMID: 21850171). This variant is also known as p.Val354Serfs2X. ClinVar contains an entry for this variant (Variation ID: 1458356). Algorithms developed to predict the effect of sequence changes on RNA splicing suggest that this variant may disrupt the consensus splice site. For these reasons, this variant has been classified as Pathogenic.

Dept Of Ophthalmology, Nagoya University
Classification: Pathogenic for Retinal dystrophy. Last evaluated: 2023-10-01. Review status: criteria provided, single submitter. Criteria: Submitter's publication. Collection method: research. Allele origin: germline. Affected: yes.

Blueprint Genetics
Classification: Pathogenic for CYP4V2-related disorders. Last evaluated: 2022-06-24. Review status: criteria provided, single submitter. Criteria: ACMG Guidelines, 2015. Collection method: clinical testing. Allele origin: germline. Affected: yes. Observed: 2 variant alleles.

Juno Genomics, Hangzhou Juno Genomics, Inc
Classification: Pathogenic for Bietti crystalline corneoretinal dystrophy. Review status: criteria provided, single submitter. Criteria: ACMG Guidelines, 2015. Collection method: clinical testing. Allele origin: germline.
Comment: Absent from controls (or at extremely low frequency if recessive) in Genome Aggregation Database.;Null variant in a gene where loss of function (LOF) is a known mechanism of disease.;Patient's phenotype or family history is highly specific for a disease with a single genetic etiology.

Literature cited by the submitters: PubMed 15042513 (cited by Labcorp Genetics (formerly Invitae), Labcorp); PubMed 25118264 (cited by Labcorp Genetics (formerly Invitae), Labcorp); PubMed 21850171 (cited by Labcorp Genetics (formerly Invitae), Labcorp).